The following is an entry in ClinVar:

NM_133433.4(NIPBL):c.1942_1954delinsCTT (p.Thr648fs)

Gene: NIPBL (NIPBL cohesin loading factor; plus strand). Cytogenetic location: 5p13.2.
Variant type: Indel.
Coding change: c.1942_1954delinsCTT on transcript NM_133433.4 (MANE Select); coding-DNA positions 1942 to 1954, ACAGAAGAACTTA replaced by CTT.
Protein change: p.Thr648fs; shifts the reading frame from threonine 648.
Molecular consequence: frameshift variant.
Genome position (GRCh38, 1-based): chr5:36,985,122-36,985,134, ACAGAAGAACTTA replaced by CTT. VCF-style: chr5-36985122-ACAGAAGAACTTA-CTT. GRCh37 (hg19) VCF-style: chr5-36985224-ACAGAAGAACTTA-CTT.
Other names: c.1942_1954delinsCTT, p.Thr648fs (NM_015384.5); short protein forms T648fs.
Identifiers: ClinVar variation 279946 (VCV000279946.2), dbSNP rs886041274, ClinGen allele CA10602923.
Genomic context (GRCh38, chr5:36,985,122, plus strand): 5'-AACCGATTGGTGGAGACAAAATCAAGTGAAAATAAGTTAGAAACTAAAGTTGAGACCCAA[ACAGAAGAACTTA>CTT]AACAGAATGAGAGCAGAACAACTGAATGCAAACAAAACGAGAGCACCATAGTTGAGCCTA-3'

ClinVar aggregate classification (germline): Pathogenic (1 of 4 stars; one submission).

Submission:

GeneDx
Classification: Pathogenic. Last evaluated: 2015-04-22. Review status: criteria provided, single submitter. Criteria: GeneDx Variant Classification (06012015). Collection method: clinical testing. Allele origin: germline. Affected: yes.
Comment: The c.1942_1954del13insCTT pathogenic variant in the NIPBL gene causes a frameshift starting with codon Threonine 648, changes this amino acid to a Leucine residue and creates a premature Stop codon at position 18 of the new reading frame, denoted p.Thr648LeufsX18. This variant is predicted to cause loss of normal protein function either through protein truncation or nonsense-mediated mRNA decay. Although this variant has not been previously reported to our knowledge, and we interpret this variant to be pathogenic.